The following is an entry in ClinVar:

NM_019597.5(HNRNPH2):c.1346C>T (p.Ala449Val)

Genes: HNRNPH2 (heterogeneous nuclear ribonucleoprotein H2; plus strand), RPL36A-HNRNPH2 (RPL36A-HNRNPH2 readthrough; plus strand). Cytogenetic location: Xq22.1.
Variant type: single nucleotide variant.
Coding change: c.1346C>T on transcript NM_019597.5 (MANE Select); coding-DNA position 1346, C replaced by T.
Protein change: p.Ala449Val; replaces alanine 449 with valine.
Molecular consequence: missense variant. On other transcripts: 3 prime UTR variant (2).
Genome position (GRCh38, 1-based): chrX:101,413,334, C>T. VCF-style: chrX-101413334-C-T. GRCh37 (hg19) VCF-style: chrX-100668322-C-T.
Other names: c.*1342C>T (NM_001199973.2, NM_001199974.2); c.1346C>T, p.Ala449Val (NM_001032393.3); short protein forms A449V.
Identifiers: ClinVar variation 5017758 (VCV005017758.1).

ClinVar aggregate classification (germline): Uncertain significance (1 of 4 stars; one submission).

Submission:

GeneDx
Classification: Uncertain significance. Last evaluated: 2026-03-30. Review status: criteria provided, single submitter. Criteria: GeneDx Variant Classification Process June 2021. Collection method: clinical testing. Allele origin: germline.
Comment: Not observed at significant frequency in large population cohorts (gnomAD); In silico analysis suggests that this missense variant does not alter protein structure/function; Has not been previously published as pathogenic or benign to our knowledge